The following is an entry in ClinVar:

NM_153614.4(DNAJB13):c.919A>C (p.Lys307Gln)

Gene: DNAJB13 (DnaJ heat shock protein family (Hsp40) member B13; plus strand). Cytogenetic location: 11q13.4.
Variant type: single nucleotide variant.
Coding change: c.919A>C on transcript NM_153614.4 (MANE Select); coding-DNA position 919, A replaced by C.
Protein change: p.Lys307Gln; replaces lysine 307 with glutamine.
Molecular consequence: missense variant.
Genome position (GRCh38, 1-based): chr11:73,970,082, A>C. VCF-style: chr11-73970082-A-C. GRCh37 (hg19) VCF-style: chr11-73681127-A-C.
Other names: c.919A>C (NM_153614.2); c.745A>C, p.Lys249Gln (NM_001377263.1); short protein forms K307Q, K249Q.
Identifiers: ClinVar variation 788113 (VCV000788113.12), dbSNP rs538964929, ClinGen allele CA6180939.
Genomic context (GRCh38, chr11:73,970,082, plus strand): 5'-AAAGGGGATCTCTTCATCTTCTTCGACATCCAGTTCCCCACCCGCCTCACACCCCAGAAG[A>C]AGCAGATGCTGCGCCAGGCATTGCTGACATGACTGTGGTGGGCTGGAGCAGGGGTGAGAG-3'
Protein context (NP_705842.2, residues 297-316): QFPTRLTPQK[Lys307Gln]QMLRQALLT

ClinVar aggregate classification (germline): Conflicting classifications of pathogenicity. Review status: criteria provided, conflicting classifications (1 of 4 stars). 3 submissions from 3 submitters: Uncertain significance (1); Likely benign (1). 1 of the submissions does not count toward it. Last evaluated 2026-01-06.

Conditions:
DNAJB13-related disorder. Also called: DNAJB13-related condition.

Allele frequency attached by ClinVar (database versions not stated): gnomAD 0.00019 and 0.00008; gnomAD exomes 0.00026 and 0.00055; 1000 Genomes Project 30x 0.00047; 1000 Genomes Project 0.00060; ExAC 0.00077; TOPMed 0.00007.
gnomAD v4.1: 407 of 1,609,716 alleles (0.025%); highest among the groups gnomAD compares: South Asian, 0.36%; 4 homozygotes.

Submissions (3):

Labcorp Genetics (formerly Invitae), Labcorp
Classification: Likely benign. Last evaluated: 2026-01-06. Review status: criteria provided, single submitter. Criteria: Invitae Variant Classification Sherloc (09022015). Collection method: clinical testing. Allele origin: germline.

Ambry Genetics
Classification: Uncertain significance. Last evaluated: 2025-09-28. Review status: criteria provided, single submitter. Criteria: Ambry Variant Classification Scheme 2023. Collection method: clinical testing. Allele origin: germline.

PreventionGenetics, part of Exact Sciences
Classification: Likely benign for DNAJB13-related condition. Last evaluated: 2023-06-14. Review status: no assertion criteria provided. Collection method: clinical testing. Allele origin: germline. Not counted in ClinVar's aggregate classification.
Comment: This variant is classified as likely benign based on ACMG/AMP sequence variant interpretation guidelines (Richards et al. 2015 PMID: 25741868, with internal and published modifications).